The following is an entry in ClinVar:

ClinVar aggregate classification (germline): Uncertain significance (1 of 4 stars; one submission).

Conditions:
Long QT syndrome (LQTS). Identifiers: MedGen C0023976, MeSH D008133, MONDO:0002442. Disease mechanism: loss of function. Inheritance: Various modes of inheritance.

Submission:

Labcorp Genetics (formerly Invitae), Labcorp
Classification: Uncertain significance for Long QT syndrome. Last evaluated: 2022-07-25. Review status: criteria provided, single submitter. Criteria: Invitae Variant Classification Sherloc (09022015). Collection method: clinical testing. Allele origin: germline.
Comment: In summary, the available evidence is currently insufficient to determine the role of this variant in disease. Therefore, it has been classified as a Variant of Uncertain Significance. Algorithms developed to predict the effect of missense changes on protein structure and function are either unavailable or do not agree on the potential impact of this missense change (SIFT: "Deleterious"; PolyPhen-2: "Probably Damaging"; Align-GVGD: "Class C0"). ClinVar contains an entry for this variant (Variation ID: 1000782). This variant has not been reported in the literature in individuals affected with SNTA1-related conditions. This variant is not present in population databases (gnomAD no frequency). This sequence change replaces arginine, which is basic and polar, with proline, which is neutral and non-polar, at codon 106 of the SNTA1 protein (p.Arg106Pro).

NM_003098.3(SNTA1):c.317G>C (p.Arg106Pro)

Gene: SNTA1 (syntrophin alpha 1; minus strand). Cytogenetic location: 20q11.21.
Variant type: single nucleotide variant.
Coding change: c.317G>C on transcript NM_003098.3 (MANE Select); coding-DNA position 317, G replaced by C.
Protein change: p.Arg106Pro; replaces arginine 106 with proline.
Molecular consequence: missense variant.
Genome position (GRCh38, 1-based): chr20:33,439,020, C>G on the plus strand (G>C on the coding strand, the complement: SNTA1 is on the minus strand). VCF-style: chr20-33439020-C-G. GRCh37 (hg19) VCF-style: chr20-32026826-C-G.
Other names: short protein forms R106P.
Identifiers: ClinVar variation 1000782 (VCV001000782.8), dbSNP rs75025585, ClinGen allele CA408633675.